The following is an entry in ClinVar:

NM_030662.4(MAP2K2):c.260C>T (p.Thr87Ile)

Gene: MAP2K2 (mitogen-activated protein kinase kinase 2; minus strand). Cytogenetic location: 19p13.3.
Variant type: single nucleotide variant.
Coding change: c.260C>T on transcript NM_030662.4 (MANE Select); coding-DNA position 260, C replaced by T.
Protein change: p.Thr87Ile; replaces threonine 87 with isoleucine.
Molecular consequence: missense variant.
Genome position (GRCh38, 1-based): chr19:4,117,462, G>A on the plus strand (C>T on the coding strand, the complement: MAP2K2 is on the minus strand). VCF-style: chr19-4117462-G-A. GRCh37 (hg19) VCF-style: chr19-4117460-G-A.
Other names: short protein forms T87I.
Identifiers: ClinVar variation 3252477 (VCV003252477.3), dbSNP rs2145079918.
Genomic context (GRCh38, chr19:4,117,462, plus strand): 5'-GACCCCGCAGTGCTCACCTTCCTGGCCATGATGAGGCCCGAGGGTCTGTGCTGGACTTTG[G>A]TGACCACCCCGCCGTTGCCCGCGCCCAGCTCTGAGATCCTTTCGAAGTCATCGTCTTTGA-3'
Protein context (NP_109587.1, residues 77-97): ELGAGNGGVV[Thr87Ile]KVQHRPSGLI

ClinVar aggregate classification (germline): Uncertain significance. Review status: criteria provided, multiple submitters, no conflicts (2 of 4 stars). 2 submissions from 2 submitters: Uncertain significance (2). Last evaluated 2024-11-11.

Conditions:
RASopathy. Also called: Noonan spectrum disorder; rasopathies. Identifiers: Orphanet 536391, MedGen C5555857, MONDO:0021060.

Submissions (2):

Labcorp Genetics (formerly Invitae), Labcorp
Classification: Uncertain significance for RASopathy. Last evaluated: 2024-11-11. Review status: criteria provided, single submitter. Criteria: Invitae Variant Classification Sherloc (09022015). Collection method: clinical testing. Allele origin: germline.
Comment: This sequence change replaces threonine, which is neutral and polar, with isoleucine, which is neutral and non-polar, at codon 87 of the MAP2K2 protein (p.Thr87Ile). This variant is not present in population databases (gnomAD no frequency). This variant has not been reported in the literature in individuals affected with MAP2K2-related conditions. ClinVar contains an entry for this variant (Variation ID: 3252477). Invitae Evidence Modeling of protein sequence and biophysical properties (such as structural, functional, and spatial information, amino acid conservation, physicochemical variation, residue mobility, and thermodynamic stability) indicates that this missense variant is not expected to disrupt MAP2K2 protein function with a negative predictive value of 95%. In summary, the available evidence is currently insufficient to determine the role of this variant in disease. Therefore, it has been classified as a Variant of Uncertain Significance.

GeneDx
Classification: Uncertain significance. Last evaluated: 2023-10-03. Review status: criteria provided, single submitter. Criteria: GeneDx Variant Classification Process June 2021. Collection method: clinical testing. Allele origin: germline. Affected: yes.
Comment: Not observed at significant frequency in large population cohorts (gnomAD); Missense variants in this gene are often considered pathogenic (HGMD); In silico analysis supports that this missense variant does not alter protein structure/function; Has not been previously published as pathogenic or benign to our knowledge